The following is an entry in ClinVar:

NM_000059.4(BRCA2):c.9155G>A (p.Arg3052Gln)

Gene: BRCA2 (BRCA2 DNA repair associated; plus strand). Cytogenetic location: 13q13.1.
Variant type: single nucleotide variant.
Coding change: c.9155G>A on transcript NM_000059.4 (MANE Select); coding-DNA position 9155, G replaced by A.
Protein change: p.Arg3052Gln; replaces arginine 3052 with glutamine.
Molecular consequence: missense variant.
Genome position (GRCh38, 1-based): chr13:32,380,044, G>A. VCF-style: chr13-32380044-G-A. GRCh37 (hg19) VCF-style: chr13-32954181-G-A.
Other names: 9383G>A; short protein forms R3052Q.
Identifiers: ClinVar variation 38217 (VCV000038217.28), dbSNP rs80359171, ClinGen allele CA026007.

ClinVar aggregate classification (germline): Conflicting classifications of pathogenicity. Review status: criteria provided, conflicting classifications (1 of 4 stars). 12 submissions from 12 submitters: Uncertain significance (2); Likely benign (6). 4 of the submissions do not count toward it. Last evaluated 2026-01-31.

Conditions:
BRCA2-related disorder. Also called: BRCA2-related condition; BRCA2-related disorders. Identifiers: MedGen CN239275.
Breast and/or ovarian cancer. Identifiers: MedGen CN221562.
Hereditary cancer-predisposing syndrome. Also called: Tumor predisposition; Neoplastic Syndromes, Hereditary; Hereditary neoplastic syndrome; Hereditary Cancer Syndrome. Identifiers: Orphanet 140162, MedGen C0027672, MeSH D009386, MONDO:0015356.
Hereditary breast ovarian cancer syndrome. Also called: Hereditary breast and ovarian cancer; Hereditary breast and ovarian cancer syndrome (HBOC); Hereditary breast and/or ovarian cancer syndrome; Breast and ovarian cancer; Hereditary breast and ovarian cancer syndrome; BRCA1- and BRCA2-Associated Hereditary Breast and Ovarian Cancer. Identifiers: Orphanet 145, MedGen C0677776, MeSH D061325, MONDO:0003582. Disease mechanism: loss of function.
Malignant tumor of urinary bladder. Also called: Bladder cancer; Urinary bladder cancer; Urinary Bladder Neoplasms. Identifiers: MedGen C0005684, MONDO:0001187, OMIM 109800.
Breast-ovarian cancer, familial, susceptibility to, 2 (BROVCA2). Also called: BRCA2 Hereditary Breast and Ovarian Cancer. Identifiers: Orphanet 145, MedGen C2675520, MONDO:0012933, OMIM 612555. Disease mechanism: loss of function.

Allele frequency attached by ClinVar (database versions not stated): gnomAD 0.00001; TOPMed 0.00001; gnomAD exomes 0.00002; ExAC 0.00003.
gnomAD v4.1: 36 of 1,613,804 alleles (0.0022%); highest among the groups gnomAD compares: Non-Finnish European, 0.0027%; no homozygotes.

Submissions (12):

Labcorp Genetics (formerly Invitae), Labcorp
Classification: Likely benign for Hereditary breast ovarian cancer syndrome. Last evaluated: 2026-01-31. Review status: criteria provided, single submitter. Criteria: Invitae Variant Classification Sherloc (09022015). Collection method: clinical testing. Allele origin: germline.

All of Us Research Program, National Institutes of Health
Classification: Likely benign for Breast-ovarian cancer, familial, susceptibility to, 2. Last evaluated: 2023-12-18. Review status: criteria provided, single submitter. Criteria: ACMG Guidelines, 2015. Collection method: clinical testing. Allele origin: germline. Inheritance: Autosomal dominant inheritance. Observed: 7 variant alleles, 7 heterozygotes.
Comment: This study involves interpretation of variants in research participants for the purpose of population health screening. Participant phenotype was not available at the time of variant classification. Additional details can be found in publication PMID: 35346344, PMCID: PMC8962531

Sema4
Classification: Uncertain significance for Hereditary cancer-predisposing syndrome. Last evaluated: 2021-12-15. Review status: criteria provided, single submitter. Criteria: Sema4 Curation Guidelines. Collection method: curation. Allele origin: germline.
Comment: The BRCA2 c.9155G>A (p.R3052Q) variant has been reported in numerous individuals with breast and/or ovarian cancer (PMID: 19200354, 27616075, 28283652, 33471991) as well as healthy controls (PMID: 33471991, 30287823, 28283652). In one of these families, the variant did not segregate with disease (PMID: 19200354). Co-occurrence with a pathogenic frameshift variant was reported in the Breast Cancer Information Core database. Functional studies have shown that this variant had normal sensitivity to cisplatin but increased sensitivity to PARP inhibitors and partially decreased homology directed repair (PMID: 18607349, 25146914, 29988080). It was observed in 4/113582 chromosomes of the Non-Finnish European subpopulation in the large and broad cohorts of the Genome Aggregation Database (PMID: 32461654). The variant has been reported in ClinVar (Variation ID 38217). In silico predictions of the variant's effect on protein function are inconclusive. The evidence is insufficient to meet ACMG/AMP criteria for classifying the variant as benign or pathogenic. Thus, the clinical significance of this variant is currently uncertain.

GeneDx
Classification: Likely benign. Last evaluated: 2020-09-15. Review status: criteria provided, single submitter. Criteria: GeneDx Variant Classification Process June 2021. Collection method: clinical testing. Allele origin: germline. Affected: yes.
Comment: Not observed at a significant frequency in large population cohorts (Lek et al., 2016); In silico analysis supports that this missense variant does not alter protein structure/function; This variant is associated with the following publications: (PMID: 22678057, 12228710, 19043619, 19563646, 19200354, 21990134, 24323938, 25146914, 18607349, 17924331, 27616075, 28487467, 27067391, 28283652, 29988080, 30287823, 31200359, 32486089, 31131967)

Quest Diagnostics Nichols Institute San Juan Capistrano
Classification: Likely benign. Last evaluated: 2020-08-03. Review status: criteria provided, single submitter. Criteria: Quest Diagnostics criteria. Collection method: clinical testing. Allele origin: unknown.

Ambry Genetics
Classification: Likely benign for Hereditary cancer-predisposing syndrome. Last evaluated: 2019-04-02. Review status: criteria provided, single submitter. Criteria: Ambry Variant Classification Scheme 2023. Collection method: clinical testing. Allele origin: germline.

Color Diagnostics, LLC DBA Color Health
Classification: Likely benign for Hereditary cancer-predisposing syndrome. Last evaluated: 2016-09-26. Review status: criteria provided, single submitter. Criteria: ACMG Guidelines, 2015. Collection method: clinical testing. Allele origin: germline.

CHEO Genetics Diagnostic Laboratory, Children's Hospital of Eastern Ontario
Classification: Uncertain significance for Breast and/or ovarian cancer. Last evaluated: 2016-04-24. Review status: criteria provided, single submitter. Criteria: ACMG Guidelines, 2015. Collection method: clinical testing. Allele origin: germline. Study: Canadian Open Genetics Repository.

PreventionGenetics, part of Exact Sciences
Classification: Uncertain significance for BRCA2-related condition. Last evaluated: 2024-03-15. Review status: no assertion criteria provided. Collection method: clinical testing. Allele origin: germline. Not counted in ClinVar's aggregate classification.
Comment: The BRCA2 c.9155G>A variant is predicted to result in the amino acid substitution p.Arg3052Gln. This variant was previously reported in individuals with cancer or a family history of cancer (see, for example, Bhai et al. 2021. PubMed ID: 34326862; Kraus et al. 2016. PubMed ID: 27616075); however, it did not segregate with autosomal dominant disease in all studies and was also described in the heterozygous state in control cohorts (Gómez García et al. 2009. PubMed ID: 19200354; Okawa et al. 2022. PubMed ID: 36243179). This variant is reported in 0.0035% of alleles in individuals of European (Non-Finnish) descent in gnomAD. In the ClinVar database, this variant is listed as ‘uncertain’ or ‘likely benign’ by outside laboratories. At this time, although we suspect that this variant is benign in the context of autosomal dominant disease, the clinical significance of this variant in regards to autosomal recessive disease is uncertain due to the absence of conclusive functional and genetic evidence.

Sharing Clinical Reports Project (SCRP)
Classification: Likely benign for Breast-ovarian cancer, familial 2. Last evaluated: 2011-11-09. Review status: no assertion criteria provided. Collection method: clinical testing. Allele origin: germline. Not counted in ClinVar's aggregate classification.

Breast Cancer Information Core (BIC) (BRCA2)
Classification: Uncertain significance for Breast-ovarian cancer, familial 2. Last evaluated: 2003-12-23. Review status: no assertion criteria provided. Collection method: clinical testing. Allele origin: germline. Affected: yes. Observed: 3 variant alleles. Not counted in ClinVar's aggregate classification.

Laboratory of Urology, Hospital Clinic de Barcelona
Classification: Pathogenic for Malignant tumor of urinary bladder. Review status: no assertion criteria provided. Collection method: research. Allele origin: somatic. Affected: yes. Not counted in ClinVar's aggregate classification.

Literature cited by the submitters: PubMed 19200354 (cited by 3 submitters); PubMed 27616075 (cited by 3 submitters); PubMed 28283652 (cited by Sema4); PubMed 33471991 (cited by Sema4); PubMed 30287823 (cited by Sema4 and Quest Diagnostics Nichols Institute San Juan Capistrano); PubMed 18607349 (cited by 3 submitters); PubMed 25146914 (cited by 3 submitters); PubMed 29988080 (cited by Sema4 and Quest Diagnostics Nichols Institute San Juan Capistrano); PubMed 21990134 (cited by Quest Diagnostics Nichols Institute San Juan Capistrano and Ambry Genetics); PubMed 19563646 (cited by Quest Diagnostics Nichols Institute San Juan Capistrano and Ambry Genetics); PubMed 19043619 (cited by Quest Diagnostics Nichols Institute San Juan Capistrano and Ambry Genetics); PubMed 17924331 (cited by Quest Diagnostics Nichols Institute San Juan Capistrano and Ambry Genetics); PubMed 22678057 (cited by Quest Diagnostics Nichols Institute San Juan Capistrano and Ambry Genetics); PubMed 24323938 (cited by Quest Diagnostics Nichols Institute San Juan Capistrano and Ambry Genetics).